The following is an entry in ClinVar:

NM_144687.4(NLRP12):c.2341G>C (p.Gly781Arg)

Gene: NLRP12 (NLR family pyrin domain containing 12; minus strand). Cytogenetic location: 19q13.42.
Variant type: single nucleotide variant.
Coding change: c.2341G>C on transcript NM_144687.4 (MANE Select); coding-DNA position 2341, G replaced by C.
Protein change: p.Gly781Arg; replaces glycine 781 with arginine.
Molecular consequence: missense variant.
Genome position (GRCh38, 1-based): chr19:53,805,353, C>G on the plus strand (G>C on the coding strand, the complement: NLRP12 is on the minus strand). VCF-style: chr19-53805353-C-G. GRCh37 (hg19) VCF-style: chr19-54308607-C-G.
Other names: c.2344G>C, p.Gly782Arg (NM_001277126.2); c.2341G>C, p.Gly781Arg (NM_001277129.1); short protein forms G781R, G782R.
Identifiers: ClinVar variation 2122580 (VCV002122580.4), dbSNP rs376676387, ClinGen allele CA407410398.

ClinVar aggregate classification (germline): Uncertain significance (1 of 4 stars; one submission).

Conditions:
Familial cold autoinflammatory syndrome 2 (FCAS2). Identifiers: Orphanet 247868, MedGen C2673198, MONDO:0012724, OMIM 611762.

Submission:

Labcorp Genetics (formerly Invitae), Labcorp
Classification: Uncertain significance for Familial cold autoinflammatory syndrome 2. Last evaluated: 2025-04-14. Review status: criteria provided, single submitter. Criteria: Invitae Variant Classification Sherloc (09022015). Collection method: clinical testing. Allele origin: germline.
Comment: This sequence change replaces glycine, which is neutral and non-polar, with arginine, which is basic and polar, at codon 781 of the NLRP12 protein (p.Gly781Arg). This variant is not present in population databases (gnomAD no frequency). This variant has not been reported in the literature in individuals affected with NLRP12-related conditions. ClinVar contains an entry for this variant (Variation ID: 2122580). Invitae Evidence Modeling of protein sequence and biophysical properties (such as structural, functional, and spatial information, amino acid conservation, physicochemical variation, residue mobility, and thermodynamic stability) indicates that this missense variant is not expected to disrupt NLRP12 protein function with a negative predictive value of 80%. In summary, the available evidence is currently insufficient to determine the role of this variant in disease. Therefore, it has been classified as a Variant of Uncertain Significance.